The following is an entry in ClinVar:

ClinVar aggregate classification (germline): Uncertain significance (1 of 4 stars; one submission).

Allele frequency attached by ClinVar (database versions not stated): gnomAD exomes below 0.00001.
gnomAD v4.1: 1 of 1,614,206 alleles (0.000062%); highest among the groups gnomAD compares: Admixed American, 0.0017%; no homozygotes.

Submission:

Labcorp Genetics (formerly Invitae), Labcorp
Classification: Uncertain significance. Last evaluated: 2022-10-23. Review status: criteria provided, single submitter. Criteria: Invitae Variant Classification Sherloc (09022015). Collection method: clinical testing. Allele origin: germline.
Comment: This variant has not been reported in the literature in individuals affected with ROR1-related conditions. Advanced modeling of protein sequence and biophysical properties (such as structural, functional, and spatial information, amino acid conservation, physicochemical variation, residue mobility, and thermodynamic stability) performed at Invitae indicates that this missense variant is not expected to disrupt ROR1 protein function. In summary, the available evidence is currently insufficient to determine the role of this variant in disease. Therefore, it has been classified as a Variant of Uncertain Significance. This variant is not present in population databases (gnomAD no frequency). This sequence change replaces glutamine, which is neutral and polar, with arginine, which is basic and polar, at codon 340 of the ROR1 protein (p.Gln340Arg).

NM_005012.4(ROR1):c.1019A>G (p.Gln340Arg)

Gene: ROR1 (receptor tyrosine kinase like orphan receptor 1; plus strand). Cytogenetic location: 1p31.3.
Variant type: single nucleotide variant.
Coding change: c.1019A>G on transcript NM_005012.4 (MANE Select); coding-DNA position 1019, A replaced by G.
Protein change: p.Gln340Arg; replaces glutamine 340 with arginine.
Molecular consequence: missense variant.
Genome position (GRCh38, 1-based): chr1:64,142,495, A>G. VCF-style: chr1-64142495-A-G. GRCh37 (hg19) VCF-style: chr1-64608178-A-G.
Other names: c.1019A>G, p.Gln340Arg (NM_001083592.2); short protein forms Q340R.
Identifiers: ClinVar variation 2036647 (VCV002036647.4), dbSNP rs2525086478, ClinGen allele CA340649545.
Genomic context (GRCh38, chr1:64,142,495, plus strand): 5'-ACTACCGGGGGACCGTCAGTGTGACCAAATCAGGGCGCCAGTGCCAGCCATGGAATTCCC[A>G]GTATCCCCACACACACACTTTCACCGCCCTTCGTTTCCCAGAGCTGAATGGAGGCCATTC-3'
Protein context (NP_005003.2, residues 330-350): SGRQCQPWNS[Gln340Arg]YPHTHTFTAL